The following is an entry in ClinVar:

ClinVar aggregate classification (germline): Uncertain significance (1 of 4 stars; one submission).

Conditions:
Inborn genetic diseases. Identifiers: MedGen C0950123, MeSH D030342.

Submission:

Ambry Genetics
Classification: Uncertain significance for Inborn genetic diseases. Last evaluated: 2025-02-22. Review status: criteria provided, single submitter. Criteria: Ambry Variant Classification Scheme 2023. Collection method: clinical testing. Allele origin: germline.
Comment: The p.G247S variant (also known as c.739G>A), located in coding exon 6 of the BUB1B gene, results from a G to A substitution at nucleotide position 739. The glycine at codon 247 is replaced by serine, an amino acid with similar properties. This amino acid position is conserved. In addition, this alteration is predicted to be tolerated by in silico analysis. Based on the available evidence, the clinical significance of this variant remains unclear.

NM_001211.6(BUB1B):c.739G>A (p.Gly247Ser)

Gene: BUB1B (BUB1 mitotic checkpoint serine/threonine kinase B; plus strand). Cytogenetic location: 15q15.1.
Variant type: single nucleotide variant.
Coding change: c.739G>A on transcript NM_001211.6 (MANE Select); coding-DNA position 739, G replaced by A.
Protein change: p.Gly247Ser; replaces glycine 247 with serine.
Molecular consequence: missense variant.
Genome position (GRCh38, 1-based): chr15:40,183,871, G>A. VCF-style: chr15-40183871-G-A. GRCh37 (hg19) VCF-style: chr15-40476072-G-A.
Other names: short protein forms G247S.
Identifiers: ClinVar variation 3826065 (VCV003826065.1).